The following is an entry in ClinVar:

NM_139318.5(KCNH5):c.1705A>C (p.Ile569Leu)

Gene: KCNH5 (potassium voltage-gated channel subfamily H member 5; minus strand). Cytogenetic location: 14q23.2.
Variant type: single nucleotide variant.
Coding change: c.1705A>C on transcript NM_139318.5 (MANE Select); coding-DNA position 1705, A replaced by C.
Protein change: p.Ile569Leu; replaces isoleucine 569 with leucine.
Molecular consequence: missense variant.
Genome position (GRCh38, 1-based): chr14:62,802,446, T>G on the plus strand (A>C on the coding strand, the complement: KCNH5 is on the minus strand). VCF-style: chr14-62802446-T-G. GRCh37 (hg19) VCF-style: chr14-63269164-T-G.
Other names: c.1705A>C, p.Ile569Leu (NM_172375.3); short protein forms I569L.
Identifiers: ClinVar variation 5037299 (VCV005037299.1).
Genomic context (GRCh38, chr14:62,802,446, plus strand): 5'-AGCAGAGGGCATCCACACTTTCTCCAGCATGGTAAATGAGGTCCCCGGGAGCACAGTGAA[T>G]GGTTTGGAACTCTACCGCCAAGGCGCGCAGACACCCATCGCTGGCCAATCGAAAAGCAGG-3'
Protein context (NP_647479.2, residues 559-579): LRALAVEFQT[Ile569Leu]HCAPGDLIYH

ClinVar aggregate classification (germline): Uncertain significance (1 of 4 stars; one submission).

Submission:

GeneDx
Classification: Uncertain significance. Last evaluated: 2026-04-19. Review status: criteria provided, single submitter. Criteria: GeneDx Variant Classification Process June 2021. Collection method: clinical testing. Allele origin: germline.
Comment: Not observed at significant frequency in large population cohorts (gnomAD); In silico analysis suggests that this missense variant does not alter protein structure/function; Has not been previously published as pathogenic or benign to our knowledge